The following is an entry in ClinVar:

NM_020866.3(KLHL1):c.526C>T (p.Pro176Ser)

Gene: KLHL1 (kelch like family member 1; minus strand). Cytogenetic location: 13q21.33.
Variant type: single nucleotide variant.
Coding change: c.526C>T on transcript NM_020866.3 (MANE Select); coding-DNA position 526, C replaced by T.
Protein change: p.Pro176Ser; replaces proline 176 with serine.
Molecular consequence: missense variant. On other transcripts: intron variant (1).
Genome position (GRCh38, 1-based): chr13:69,975,774, G>A on the plus strand (C>T on the coding strand, the complement: KLHL1 is on the minus strand). VCF-style: chr13-69975774-G-A. GRCh37 (hg19) VCF-style: chr13-70549906-G-A.
Other names: c.498-14330C>T (NM_001286725.2); short protein forms P176S.
Identifiers: ClinVar variation 2643839 (VCV002643839.24), dbSNP rs35781936, ClinGen allele CA6999438.
Genomic context (GRCh38, chr13:69,975,774, plus strand): 5'-CAGCATGATGAACAGCTTGATAGAATTCTTCAGAGCTACTGGAGTCCAAATCACTTTGAG[G>A]TGTCATTGAATGGCCGGTTGATGACAGCCTATAAACCACACACACACACACACACACACA-3'
Protein context (NP_065917.1, residues 166-186): RLSSTGHSMT[Pro176Ser]QSDLDSSSSE

ClinVar aggregate classification (germline): Likely benign (1 of 4 stars; one submission).

Allele frequency attached by ClinVar (database versions not stated): 1000 Genomes Project 30x 0.00234; 1000 Genomes Project 0.00260; TOPMed 0.00388; gnomAD 0.00445; ESP Exome Variant Server 0.00461; ExAC 0.00625.
gnomAD v4.1: 9,322 of 1,610,346 alleles (0.58%); highest among the groups gnomAD compares: South Asian, 0.76%; 51 homozygotes.

Submission:

CeGaT Center for Human Genetics Tuebingen
Classification: Likely benign. Last evaluated: 2022-09-01. Review status: criteria provided, single submitter. Criteria: CeGaT Center For Human Genetics Tuebingen Variant Classification Criteria Version 2. Collection method: clinical testing. Allele origin: germline. Affected: yes. Observed: 2 variant alleles.
Comment: KLHL1: BP4